The following is an entry in ClinVar:

ClinVar aggregate classification (germline): Uncertain significance (1 of 4 stars; one submission).

Conditions:
DNMT3A-related disorder. Also called: DNMT3A-related condition; DNMT3A-related disorders.

Allele frequency attached by ClinVar (database versions not stated): gnomAD exomes below 0.00001; gnomAD 0.00001.
gnomAD v4.1: 4 of 735,292 alleles (0.00054%); highest among the groups gnomAD compares: Admixed American, 0.011%; no homozygotes.

Submission:

PreventionGenetics, part of Exact Sciences
Classification: Uncertain significance for DNMT3A-related condition. Last evaluated: 2026-06-03. Review status: criteria provided, single submitter. Criteria: ACMG Guidelines, 2015. Collection method: clinical testing. Allele origin: germline.
Comment: The DNMT3A c.79C>A variant is predicted to result in the amino acid substitution p.Arg27Ser. This change is a deep intronic variant for the transcripts with documented clinical significance (NM_175629.2 or NM_022552.5). To our knowledge, this variant has not been reported in the literature. This variant was not reported in gnomAD V2.1.1; however, it is now observed in 4 alleles in gnomAD V4.0. Although we suspect that this variant may be benign, at this time, the clinical significance of this variant is uncertain due to the absence of conclusive functional and genetic evidence.

NM_022552.5(DNMT3A):c.640-3764C>A

Gene: DNMT3A (DNA methyltransferase 3 alpha; minus strand). Cytogenetic location: 2p23.3.
Variant type: single nucleotide variant.
Coding change: c.640-3764C>A on transcript NM_022552.5 (MANE Select); 3764 bases into the intron before coding-DNA position 640, C replaced by A.
Molecular consequence: intron variant. On other transcripts: missense variant (1).
Genome position (GRCh38, 1-based): chr2:25,252,016, G>T on the plus strand (C>A on the coding strand, the complement: DNMT3A is on the minus strand). VCF-style: chr2-25252016-G-T. GRCh37 (hg19) VCF-style: chr2-25474885-G-T.
Other names: c.79C>A, p.Arg27Ser (NM_001320893.1); c.640-3764C>A (NM_175629.2); c.4+178C>A (NM_153759.3); c.-31+178C>A (NM_001375819.1); short protein forms R27S.
Identifiers: ClinVar variation 3061731 (VCV003061731.3), dbSNP rs1192017899, ClinGen allele CA767183000.